The following is an entry in ClinVar:

ClinVar aggregate classification (germline): Benign/Likely benign. Review status: criteria provided, multiple submitters, no conflicts (2 of 4 stars). 2 submissions from 2 submitters: Benign (1); Likely benign (1). Last evaluated 2024-11-05.

Conditions:
Multiple endocrine neoplasia, type 1 (MEN1). Also called: MEA I; MEN I; WERMER SYNDROME; Endocrine adenomatosis multiple; MEN 1. Identifiers: Orphanet 652, MedGen C0025267, MeSH D018761, MONDO:0007540, OMIM 131100.

Allele frequency attached by ClinVar (database versions not stated): gnomAD exomes below 0.00001.
gnomAD v4.1: 2 of 1,609,640 alleles (0.00012%); highest among the groups gnomAD compares: South Asian, 0.0022%; no homozygotes.

Submissions (2):

Myriad Genetics, Inc.
Classification: Benign for Multiple endocrine neoplasia, type 1. Last evaluated: 2024-11-05. Review status: criteria provided, single submitter. Criteria: Myriad Autosomal Dominant, Autosomal Recessive and X-Linked Classification Criteria (2023). Collection method: clinical testing. Allele origin: unknown.
Comment: This variant is considered benign. This variant is a silent/synonymous amino acid change and it is not expected to impact splicing.

Labcorp Genetics (formerly Invitae), Labcorp
Classification: Likely benign for Multiple endocrine neoplasia, type 1. Last evaluated: 2024-03-02. Review status: criteria provided, single submitter. Criteria: Invitae Variant Classification Sherloc (09022015). Collection method: clinical testing. Allele origin: germline.

NM_001370259.2(MEN1):c.1554T>C (p.Pro518=)

Gene: MEN1 (menin 1; minus strand). Cytogenetic location: 11q13.1.
Variant type: single nucleotide variant.
Coding change: c.1554T>C on transcript NM_001370259.2 (MANE Select); coding-DNA position 1554, T replaced by C.
Protein change: p.Pro518=; no amino-acid change (proline 518 retained).
Molecular consequence: synonymous variant.
Genome position (GRCh38, 1-based): chr11:64,804,613, A>G on the plus strand (T>C on the coding strand, the complement: MEN1 is on the minus strand). VCF-style: chr11-64804613-A-G. GRCh37 (hg19) VCF-style: chr11-64572085-A-G.
Other names: c.1569T>C, p.Pro523= (NM_000244.4, NM_130800.3, NM_130801.3 and 3 more transcripts); c.1680T>C, p.Pro560= (NM_001370251.2); c.1554T>C, p.Pro518= (NM_001370260.2, NM_001370261.2, NM_130799.3); c.1449T>C, p.Pro483= (NM_001370262.2, NM_001370263.2).
Identifiers: ClinVar variation 1660678 (VCV001660678.9), dbSNP rs2136084986, ClinGen allele CA475162928.
Genomic context (GRCh38, chr11:64,804,613, plus strand): 5'-TGGCACCTGAGCCGTGCTGCCACCTTCAGGGCCTCGGGCTGTGCCAGCGACAGTCCCAGG[A>G]GGCTTCCGGGGGGGTCCTGACACTGCACCCTGGCCGGTGCCCAGGCCCTTGTCCAGTGCT-3'
Protein context (NP_001357188.2, residues 508-528): QGAVSGPPRK[Pro518=]PGTVAGTARG